The following is an entry in ClinVar:

ClinVar aggregate classification (germline): Uncertain significance (1 of 4 stars; one submission).

Allele frequency attached by ClinVar (database versions not stated): gnomAD exomes 0.00001; ExAC 0.00002.

Submission:

Ambry Genetics
Classification: Uncertain significance. Last evaluated: 2024-07-23. Review status: criteria provided, single submitter. Criteria: Ambry Variant Classification Scheme 2023. Collection method: clinical testing. Allele origin: germline.
Comment: The p.I715V variant (also known as c.2143A>G), located in coding exon 18 of the BUB1 gene, results from an A to G substitution at nucleotide position 2143. The isoleucine at codon 715 is replaced by valine, an amino acid with highly similar properties. This amino acid position is conserved. In addition, this alteration is predicted to be tolerated by in silico analysis. Since supporting evidence is limited at this time, the clinical significance of this alteration remains unclear.

NM_004336.5(BUB1):c.2143A>G (p.Ile715Val)

Gene: BUB1 (BUB1 mitotic checkpoint serine/threonine kinase; minus strand). Cytogenetic location: 2q13.
Variant type: single nucleotide variant.
Coding change: c.2143A>G on transcript NM_004336.5 (MANE Select); coding-DNA position 2143, A replaced by G.
Protein change: p.Ile715Val; replaces isoleucine 715 with valine.
Molecular consequence: missense variant.
Genome position (GRCh38, 1-based): chr2:110,650,606, T>C on the plus strand (A>G on the coding strand, the complement: BUB1 is on the minus strand). VCF-style: chr2-110650606-T-C. GRCh37 (hg19) VCF-style: chr2-111408183-T-C.
Other names: c.2083A>G, p.Ile695Val (NM_001278616.2); c.2143A>G, p.Ile715Val (NM_001278617.2); short protein forms I695V, I715V.
Identifiers: ClinVar variation 1786613 (VCV001786613.3), dbSNP rs767946529, ClinGen allele CA1827886.